The following is an entry in ClinVar:

ClinVar aggregate classification (germline): Uncertain significance (1 of 4 stars; one submission).

Submission:

GeneDx
Classification: Uncertain significance. Last evaluated: 2024-11-24. Review status: criteria provided, single submitter. Criteria: GeneDx Variant Classification Process June 2021. Collection method: clinical testing. Allele origin: germline. Affected: yes.
Comment: Not observed at significant frequency in large population cohorts (gnomAD); Has not been previously published as pathogenic or benign to our knowledge; In-frame deletion of 1 amino acid and insertion of 2 different amino acids in a non-repeat region; In silico analysis indicates that this variant does not alter protein structure/function

NM_024665.7(TBL1XR1):c.405delinsCCCC (p.Glu135delinsAspPro)

Gene: TBL1XR1 (TBL1X/Y related 1; minus strand). Cytogenetic location: 3q26.32.
Variant type: Indel.
Coding change: c.405delinsCCCC on transcript NM_024665.7 (MANE Select); coding-DNA position 405, G replaced by CCCC.
Protein change: p.Glu135delinsAspPro.
Molecular consequence: inframe indel.
Genome position (GRCh38, 1-based): chr3:177,051,526, C replaced by GGGG on the plus strand (G replaced by CCCC on the coding strand, the reverse complement: TBL1XR1 is on the minus strand). VCF-style: chr3-177051526-C-GGGG. GRCh37 (hg19) VCF-style: chr3-176769314-C-GGGG.
Other names: c.405delinsCCCC, p.Glu135delinsAspPro (NM_001321193.3, NM_001321194.3, NM_001374327.1 and 2 more transcripts); c.144delinsCCCC, p.Glu48delinsAspPro (NM_001321195.3, NM_001374330.1).
Identifiers: ClinVar variation 3900096 (VCV003900096.1).